The following is an entry in ClinVar:

ClinVar aggregate classification (germline): Uncertain significance (1 of 4 stars; one submission).

Conditions:
Candidiasis, familial, 9 (CANDF9). Identifiers: Orphanet 1334, MedGen C4225324, MONDO:0014642, OMIM 616445.

Allele frequency attached by ClinVar (database versions not stated): TOPMed below 0.00001; ExAC 0.00001; gnomAD exomes 0.00001.
gnomAD v4.1: 12 of 1,614,092 alleles (0.00074%); highest among the groups gnomAD compares: Non-Finnish European, 0.00093%; no homozygotes.

Submission:

Labcorp Genetics (formerly Invitae), Labcorp
Classification: Uncertain significance for Candidiasis, familial, 9. Last evaluated: 2025-10-06. Review status: criteria provided, single submitter. Criteria: Invitae Variant Classification Sherloc (09022015). Collection method: clinical testing. Allele origin: germline.
Comment: This sequence change replaces lysine, which is basic and polar, with glutamic acid, which is acidic and polar, at codon 494 of the IL17RC protein (p.Lys494Glu). This variant is present in population databases (rs746478859, gnomAD 0.004%). This variant has not been reported in the literature in individuals affected with IL17RC-related conditions. ClinVar contains an entry for this variant (Variation ID: 2159034). An algorithm developed to predict the effect of missense changes on protein structure and function (PolyPhen-2) suggests that this variant is likely to be tolerated. In summary, the available evidence is currently insufficient to determine the role of this variant in disease. Therefore, it has been classified as a Variant of Uncertain Significance.

NM_153460.4(IL17RC):c.1267A>G (p.Lys423Glu)

Gene: IL17RC (interleukin 17 receptor C; plus strand). Cytogenetic location: 3p25.3.
Variant type: single nucleotide variant.
Coding change: c.1267A>G on transcript NM_153460.4 (MANE Select); coding-DNA position 1267, A replaced by G.
Protein change: p.Lys423Glu; replaces lysine 423 with glutamic acid.
Molecular consequence: missense variant. On other transcripts: non-coding transcript variant (1).
Genome position (GRCh38, 1-based): chr3:9,930,138, A>G. VCF-style: chr3-9930138-A-G. GRCh37 (hg19) VCF-style: chr3-9971822-A-G.
Other names: c.1267A>G, p.Lys423Glu (NM_001203263.2); c.1216A>G, p.Lys406Glu (NM_001203264.2); c.1171A>G, p.Lys391Glu (NM_001203265.2, NM_001410711.1); c.1228A>G, p.Lys410Glu (NM_001367278.1); c.1147A>G, p.Lys383Glu (NM_001367279.1); c.1222A>G, p.Lys408Glu (NM_001367280.1, NM_032732.6); c.1480A>G, p.Lys494Glu (NM_153461.4); short protein forms K494E, K391E, K410E, K423E, K406E, K383E, K408E.
Identifiers: ClinVar variation 2159034 (VCV002159034.4), dbSNP rs746478859, ClinGen allele CA2247206.
Genomic context (GRCh38, chr3:9,930,138, plus strand): 5'-CCCCAGGACAACAGATCCCTCTGTGCCTTGGAACCCAGTGGCTGTACTTCACTACCCAGC[A>G]AAGCCTCCACGGTTAGGACTGGGCGACCCTCCTCCACAGATCTCTCCAAATGCATCTCAC-3'
Protein context (NP_703190.2, residues 413-433): EPSGCTSLPS[Lys423Glu]ASTRAARLGE